The following is an entry in ClinVar:

NM_000138.5(FBN1):c.6048G>T (p.Glu2016Asp)

Gene: FBN1 (fibrillin 1; minus strand). Cytogenetic location: 15q21.1.
Variant type: single nucleotide variant.
Coding change: c.6048G>T on transcript NM_000138.5 (MANE Select); coding-DNA position 6048, G replaced by T.
Protein change: p.Glu2016Asp; replaces glutamic acid 2016 with aspartic acid.
Molecular consequence: missense variant.
Genome position (GRCh38, 1-based): chr15:48,441,836, C>A on the plus strand (G>T on the coding strand, the complement: FBN1 is on the minus strand). VCF-style: chr15-48441836-C-A. GRCh37 (hg19) VCF-style: chr15-48734033-C-A.
Other names: c.6048G>T, p.Glu2016Asp (NM_001406716.1); short protein forms E2016D.
Identifiers: ClinVar variation 1806740 (VCV001806740.1), dbSNP rs991367684, ClinGen allele CA392338624.

ClinVar aggregate classification (germline): Uncertain significance (1 of 4 stars; one submission).

Submission:

GeneDx
Classification: Uncertain significance. Last evaluated: 2022-06-22. Review status: criteria provided, single submitter. Criteria: GeneDx Variant Classification Process June 2021. Collection method: clinical testing. Allele origin: germline. Affected: yes.
Comment: Not observed at significant frequency in large population cohorts (gnomAD); In silico analysis supports that this missense variant has a deleterious effect on protein structure/function; Has not been previously published as pathogenic or benign to our knowledge; This variant is associated with the following publications: (PMID: 20591885)